The following is an entry in ClinVar:

NM_000350.3(ABCA4):c.200T>G (p.Leu67Arg)

Gene: ABCA4 (ATP binding cassette subfamily A member 4; minus strand). Cytogenetic location: 1p22.1.
Variant type: single nucleotide variant.
Coding change: c.200T>G on transcript NM_000350.3 (MANE Select); coding-DNA position 200, T replaced by G.
Protein change: p.Leu67Arg; replaces leucine 67 with arginine.
Molecular consequence: missense variant.
Genome position (GRCh38, 1-based): chr1:94,111,540, A>C on the plus strand (T>G on the coding strand, the complement: ABCA4 is on the minus strand). VCF-style: chr1-94111540-A-C. GRCh37 (hg19) VCF-style: chr1-94577096-A-C.
Other names: c.200T>G, p.Leu67Arg (NM_001425324.1); short protein forms L67R.
Identifiers: ClinVar variation 4799904 (VCV004799904.1).

ClinVar aggregate classification (germline): Uncertain significance (1 of 4 stars; one submission).

Submission:

Labcorp Genetics (formerly Invitae), Labcorp
Classification: Uncertain significance. Last evaluated: 2025-09-01. Review status: criteria provided, single submitter. Criteria: Invitae Variant Classification Sherloc (09022015). Collection method: clinical testing. Allele origin: germline.
Comment: This sequence change replaces leucine, which is neutral and non-polar, with arginine, which is basic and polar, at codon 67 of the ABCA4 protein (p.Leu67Arg). This variant is not present in population databases (gnomAD no frequency). This variant has not been reported in the literature in individuals affected with ABCA4-related conditions. Invitae Evidence Modeling of protein sequence and biophysical properties (such as structural, functional, and spatial information, amino acid conservation, physicochemical variation, residue mobility, and thermodynamic stability) indicates that this missense variant is expected to disrupt ABCA4 protein function with a positive predictive value of 95%. In summary, the available evidence is currently insufficient to determine the role of this variant in disease. Therefore, it has been classified as a Variant of Uncertain Significance.